The following is an entry in ClinVar:

NM_000540.3(RYR1):c.14760C>T (p.Thr4920=)

Gene: RYR1 (ryanodine receptor 1; plus strand). Cytogenetic location: 19q13.2.
Variant type: single nucleotide variant.
Coding change: c.14760C>T on transcript NM_000540.3 (MANE Select); coding-DNA position 14760, C replaced by T.
Protein change: p.Thr4920=; no amino-acid change (threonine 4920 retained).
Molecular consequence: synonymous variant.
Genome position (GRCh38, 1-based): chr19:38,585,056, C>T. VCF-style: chr19-38585056-C-T. GRCh37 (hg19) VCF-style: chr19-39075696-C-T.
Other names: c.14745C>T, p.Thr4915= (NM_001042723.2).
Identifiers: ClinVar variation 2900146 (VCV002900146.4), dbSNP rs1974409676, ClinGen allele CA507246397.

ClinVar aggregate classification (germline): Likely benign. Review status: criteria provided, multiple submitters, no conflicts (2 of 4 stars). 2 submissions from 2 submitters: Likely benign (2). Last evaluated 2023-10-18.

Conditions:
Malignant hyperthermia, susceptibility to, 1 (MHS1). Also called: Malignant hyperthermia suceptibility 1; Anesthesia related hyperthermia; Malignant hyperpyrexia; Fulminating hyperpyrexia; Pharmacogenic myopathy; RYR1-Related Malignant Hyperthermia Susceptibility. Identifiers: Orphanet 423, MedGen C2930980, MONDO:0007783, OMIM 145600.
RYR1-related disorder. Also called: RYR1-related condition; RYR1-related disorders. Identifiers: MedGen CN239331.

Allele frequency attached by ClinVar (database versions not stated): gnomAD exomes below 0.00001; TOPMed 0.00001.
gnomAD v4.1: 1 of 1,613,364 alleles (0.000062%); highest among the groups gnomAD compares: Admixed American, 0.0017%; no homozygotes.

Submissions (2):

Labcorp Genetics (formerly Invitae), Labcorp
Classification: Likely benign for RYR1-related disorder. Last evaluated: 2023-10-18. Review status: criteria provided, single submitter. Criteria: Invitae Variant Classification Sherloc (09022015). Collection method: clinical testing. Allele origin: germline.

All of Us Research Program, National Institutes of Health
Classification: Likely benign for Malignant hyperthermia, susceptibility to, 1. Last evaluated: 2023-06-26. Review status: criteria provided, single submitter. Criteria: ACMG Guidelines, 2015. Collection method: clinical testing. Allele origin: germline. Inheritance: Autosomal dominant inheritance. Observed: 1 variant allele, 1 heterozygote.
Comment: This study involves interpretation of variants in research participants for the purpose of population health screening. Participant phenotype was not available at the time of variant classification. Additional details can be found in publication PMID: 35346344, PMCID: PMC8962531